The following is an entry in ClinVar:

ClinVar aggregate classification (germline): Likely benign (1 of 4 stars; one submission).

Submission:

GeneDx
Classification: Likely benign. Last evaluated: 2018-06-14. Review status: criteria provided, single submitter. Criteria: GeneDx Variant Classification (06012015). Collection method: clinical testing. Allele origin: germline. Affected: yes.
Comment: This variant is considered likely benign or benign based on one or more of the following criteria: it is a conservative change, it occurs at a poorly conserved position in the protein, it is predicted to be benign by multiple in silico algorithms, and/or has population frequency not consistent with disease.

NM_178014.4(TUBB):c.57+21_57+22del

Gene: TUBB (tubulin beta class I; plus strand). Cytogenetic location: 6p21.33.
Variant type: Deletion.
Coding change: c.57+21_57+22del on transcript NM_178014.4 (MANE Select); bases 21 to 22 of the intron after coding-DNA position 57, 2 bases deleted (TT; older notation c.57+21_57+22delTT).
Molecular consequence: intron variant.
Genome position (GRCh38, 1-based): chr6:30,720,584-30,720,585, TT deleted; deleting any 2 consecutive bases within chr6:30,720,582-30,720,585 gives the same sequence; the c. name uses the placement nearest the transcript's 3' end. VCF-style (leftmost placement, unchanged base first): chr6-30720581-CTT-C. GRCh37 (hg19) VCF-style: chr6-30688358-CTT-C.
Other names: c.57+21_57+22del (NM_001293213.2); c.34+44_34+45del (NM_001293214.2).
Identifiers: ClinVar variation 672680 (VCV000672680.1), dbSNP rs557000578, ClinGen allele CA3703447.